The following is an entry in ClinVar:

ClinVar aggregate classification (germline): Likely benign. Review status: criteria provided, multiple submitters, no conflicts (2 of 4 stars). 2 submissions from 2 submitters: Likely benign (2). Last evaluated 2025-11-29.

Conditions:
Autosomal dominant nocturnal frontal lobe epilepsy 5. Also called: Epilepsy, nocturnal frontal lobe, 5; CILIARY DYSKINESIA, PRIMARY, 28, WITHOUT SITUS INVERSUS; CILIARY DYSKINESIA, PRIMARY, 28, WITH SITUS INVERSUS; KCNT1-Related Epilepsy. Identifiers: Orphanet 98784, MedGen C3554306, MONDO:0014002, OMIM 615005.
Developmental and epileptic encephalopathy, 14 (DEE14). Also called: Early infantile epileptic encephalopathy 14. Identifiers: Orphanet 293181, MedGen C3554195, MONDO:0013989, OMIM 614959.

Allele frequency attached by ClinVar (database versions not stated): ExAC 0.00001; gnomAD exomes 0.00001; TOPMed 0.00002.
gnomAD v4.1: 6 of 1,612,924 alleles (0.00037%); highest among the groups gnomAD compares: Admixed American, 0.0083%; no homozygotes.

Submissions (2):

Labcorp Genetics (formerly Invitae), Labcorp
Classification: Likely benign for Autosomal dominant nocturnal frontal lobe epilepsy 5; Developmental and epileptic encephalopathy, 14. Last evaluated: 2025-11-29. Review status: criteria provided, single submitter. Criteria: Invitae Variant Classification Sherloc (09022015). Collection method: clinical testing. Allele origin: germline.

GeneDx
Classification: Likely benign. Last evaluated: 2017-08-03. Review status: criteria provided, single submitter. Criteria: GeneDx Variant Classification (06012015). Collection method: clinical testing. Allele origin: germline. Affected: yes.
Comment: This variant is considered likely benign or benign based on one or more of the following criteria: it is a conservative change, it occurs at a poorly conserved position in the protein, it is predicted to be benign by multiple in silico algorithms, and/or has population frequency not consistent with disease.

NM_020822.3(KCNT1):c.3587+14G>A

Gene: KCNT1 (potassium sodium-activated channel subfamily T member 1; plus strand). Cytogenetic location: 9q34.3.
Variant type: single nucleotide variant.
Coding change: c.3587+14G>A on transcript NM_020822.3 (MANE Select); 14 bases into the intron after coding-DNA position 3587, G replaced by A.
Molecular consequence: intron variant.
Genome position (GRCh38, 1-based): chr9:135,791,895, G>A. VCF-style: chr9-135791895-G-A. GRCh37 (hg19) VCF-style: chr9-138683741-G-A.
Other names: c.3515+14G>A (NM_001272003.2).
Identifiers: ClinVar variation 511299 (VCV000511299.6), dbSNP rs765545901, ClinGen allele CA5327955.